The following is an entry in ClinVar:

ClinVar aggregate classification (germline): Uncertain significance (1 of 4 stars; one submission).

Allele frequency attached by ClinVar (database versions not stated): TOPMed below 0.00001; gnomAD 0.00001; ExAC 0.00002.
gnomAD v4.1: 20 of 1,612,562 alleles (0.0012%); highest among the groups gnomAD compares: Non-Finnish European, 0.0017%; no homozygotes.

Submission:

Labcorp Genetics (formerly Invitae), Labcorp
Classification: Uncertain significance. Last evaluated: 2022-04-06. Review status: criteria provided, single submitter. Criteria: Invitae Variant Classification Sherloc (09022015). Collection method: clinical testing. Allele origin: germline.
Comment: In summary, the available evidence is currently insufficient to determine the role of this variant in disease. Therefore, it has been classified as a Variant of Uncertain Significance. Algorithms developed to predict the effect of missense changes on protein structure and function are either unavailable or do not agree on the potential impact of this missense change (SIFT: "Tolerated"; PolyPhen-2: "Possibly Damaging"; Align-GVGD: "Class C0"). This variant has not been reported in the literature in individuals affected with DYM-related conditions. This variant is present in population databases (rs766663061, gnomAD 0.003%). This sequence change replaces leucine, which is neutral and non-polar, with arginine, which is basic and polar, at codon 582 of the DYM protein (p.Leu582Arg).

NM_001353214.3(DYM):c.1910T>G (p.Leu637Arg)

Gene: DYM (dymeclin; minus strand). Cytogenetic location: 18q21.1.
Variant type: single nucleotide variant.
Coding change: c.1910T>G on transcript NM_001353214.3 (MANE Select); coding-DNA position 1910, T replaced by G.
Protein change: p.Leu637Arg; replaces leucine 637 with arginine.
Molecular consequence: missense variant. On other transcripts: intron variant (5).
Genome position (GRCh38, 1-based): chr18:49,118,745, A>C on the plus strand (T>G on the coding strand, the complement: DYM is on the minus strand). VCF-style: chr18-49118745-A-C. GRCh37 (hg19) VCF-style: chr18-46645115-A-C.
Other names: c.1742T>G, p.Leu581Arg (NM_001353210.3, NM_001353211.3, NM_001374435.1); c.1907T>G, p.Leu636Arg (NM_001353212.3, NM_001353213.3); c.1910T>G, p.Leu637Arg (NM_001374428.1, NM_001374430.1, NM_001374431.1); c.1904T>G, p.Leu635Arg (NM_001374429.1); c.1784T>G, p.Leu595Arg (NM_001374432.1); c.1745T>G, p.Leu582Arg (NM_001374433.1, NM_001374434.1, NM_017653.6); c.1619T>G, p.Leu540Arg (NM_001374436.1); c.1562T>G, p.Leu521Arg (NM_001374437.1); and 9 more; short protein forms L391R, L506R, L392R, L540R, L582R, L636R, L637R, L521R.
Identifiers: ClinVar variation 1941128 (VCV001941128.5), dbSNP rs766663061, ClinGen allele CA8957996.
Genomic context (GRCh38, chr18:49,118,745, plus strand): 5'-ACATTCTCTGCTTTAATACTTAAAAAAGAATCATAATAAATGTCTTCATTTACACTCACC[A>C]GATCAATATTTTGCATTATATCCTGAAATGAAGGATGAGTTCGAAATTGTTCAAAGAGAT-3'
Protein context (NP_001340143.1, residues 627-647): SFQDIMQNID[Leu637Arg]VISFFSSRLL